The following is an entry in ClinVar:

NM_018089.3(ANKZF1):c.1505G>A (p.Cys502Tyr)

Gene: ANKZF1 (ankyrin repeat and zinc finger peptidyl tRNA hydrolase 1; plus strand). Cytogenetic location: 2q35.
Variant type: single nucleotide variant.
Coding change: c.1505G>A on transcript NM_018089.3 (MANE Select); coding-DNA position 1505, G replaced by A.
Protein change: p.Cys502Tyr; replaces cysteine 502 with tyrosine.
Molecular consequence: missense variant.
Genome position (GRCh38, 1-based): chr2:219,235,126, G>A. VCF-style: chr2-219235126-G-A. GRCh37 (hg19) VCF-style: chr2-220099848-G-A.
Other names: c.1505G>A, p.Cys502Tyr (NM_001042410.2); c.875G>A, p.Cys292Tyr (NM_001282792.2); short protein forms C292Y, C502Y.
Identifiers: ClinVar variation 2853314 (VCV002853314.3), dbSNP rs749697933, ClinGen allele CA2121082.

ClinVar aggregate classification (germline): Uncertain significance (1 of 4 stars; one submission).

Allele frequency attached by ClinVar (database versions not stated): ExAC 0.00001; gnomAD exomes 0.00001.
gnomAD v4.1: 3 of 1,614,206 alleles (0.00019%); highest among the groups gnomAD compares: East Asian, 0.0022%; no homozygotes.

Submission:

Labcorp Genetics (formerly Invitae), Labcorp
Classification: Uncertain significance. Last evaluated: 2024-11-23. Review status: criteria provided, single submitter. Criteria: Invitae Variant Classification Sherloc (09022015). Collection method: clinical testing. Allele origin: germline.
Comment: This sequence change replaces cysteine, which is neutral and slightly polar, with tyrosine, which is neutral and polar, at codon 502 of the ANKZF1 protein (p.Cys502Tyr). The frequency data for this variant in the population databases is considered unreliable, as metrics indicate poor data quality at this position in the gnomAD database. This variant has not been reported in the literature in individuals affected with ANKZF1-related conditions. ClinVar contains an entry for this variant (Variation ID: 2853314). An algorithm developed to predict the effect of missense changes on protein structure and function (PolyPhen-2) suggests that this variant is likely to be disruptive. In summary, the available evidence is currently insufficient to determine the role of this variant in disease. Therefore, it has been classified as a Variant of Uncertain Significance.